The following is an entry in ClinVar:

ClinVar aggregate classification (germline): Uncertain significance (1 of 4 stars; one submission).

Conditions:
Autosomal dominant nonsyndromic hearing loss 65. Also called: Deafness, autosomal dominant 65; TBC1D24-Related Autosomal Dominant Nonsyndromic Hearing Loss (DFNA). Identifiers: Orphanet 90635, MedGen C3892048, MONDO:0014470, OMIM 616044.
Developmental and epileptic encephalopathy, 1 (DEE1). Also called: INFANTILE SPASM SYNDROME, X-LINKED 1; X-linked infantile spasms; West's syndrome; Tonic spasms with clustering, arrest of psychomotor development and hypsarrhythmia on EEG; X-Linked Infantile Spasm Syndrome; OHTAHARA SYNDROME, X-LINKED. Identifiers: MedGen C3463992, MONDO:0010632, OMIM 308350. Disease mechanism: loss of function.

Allele frequency attached by ClinVar (database versions not stated): gnomAD exomes below 0.00001.
gnomAD v4.1: 1 of 1,614,134 alleles (0.000062%); highest among the groups gnomAD compares: Non-Finnish European, 0.000085%; no homozygotes.

Submission:

Labcorp Genetics (formerly Invitae), Labcorp
Classification: Uncertain significance for Developmental and epileptic encephalopathy, 1; Autosomal dominant nonsyndromic hearing loss 65. Last evaluated: 2023-10-15. Review status: criteria provided, single submitter. Criteria: Invitae Variant Classification Sherloc (09022015). Collection method: clinical testing. Allele origin: germline.
Comment: This sequence change replaces arginine, which is basic and polar, with lysine, which is basic and polar, at codon 415 of the TBC1D24 protein (p.Arg415Lys). This variant is not present in population databases (gnomAD no frequency). This variant has not been reported in the literature in individuals affected with TBC1D24-related conditions. Advanced modeling of protein sequence and biophysical properties (such as structural, functional, and spatial information, amino acid conservation, physicochemical variation, residue mobility, and thermodynamic stability) performed at Invitae indicates that this missense variant is expected to disrupt TBC1D24 protein function. In summary, the available evidence is currently insufficient to determine the role of this variant in disease. Therefore, it has been classified as a Variant of Uncertain Significance.

NM_001199107.2(TBC1D24):c.1244G>A (p.Arg415Lys)

Gene: TBC1D24 (TBC1 domain family member 24; plus strand). Cytogenetic location: 16p13.3.
Variant type: single nucleotide variant.
Coding change: c.1244G>A on transcript NM_001199107.2 (MANE Select); coding-DNA position 1244, G replaced by A.
Protein change: p.Arg415Lys; replaces arginine 415 with lysine.
Molecular consequence: missense variant.
Genome position (GRCh38, 1-based): chr16:2,499,872, G>A. VCF-style: chr16-2499872-G-A. GRCh37 (hg19) VCF-style: chr16-2549873-G-A.
Other names: c.1226G>A, p.Arg409Lys (NM_020705.3); short protein forms R409K, R415K.
Identifiers: ClinVar variation 2935792 (VCV002935792.3), dbSNP rs2505524730, ClinGen allele CA394380175.